The following is an entry in ClinVar:

NM_000018.4(ACADVL):c.478-106del

Gene: ACADVL (acyl-CoA dehydrogenase very long chain; plus strand). Cytogenetic location: 17p13.1.
Variant type: Deletion.
Coding change: c.478-106del on transcript NM_000018.4 (MANE Select); 106 bases into the intron before coding-DNA position 478, one base deleted (T; older notation c.478-106delT).
Molecular consequence: intron variant.
Genome position (GRCh38, 1-based): chr17:7,221,432, T deleted. VCF-style (leftmost placement, unchanged base first): chr17-7221431-GT-G. GRCh37 (hg19) VCF-style: chr17-7124750-GT-G.
Other names: c.547-106del (NM_001270447.2); c.250-106del (NM_001270448.2); c.412-106del (NM_001033859.3).
Identifiers: ClinVar variation 676456 (VCV000676456.7), dbSNP rs370388543, ClinGen allele CA287436033.
Genomic context (GRCh38, chr17:7,221,431, plus strand): 5'-TTTGCACACCCCACTTCTTTTCTACACACTGGGGATGGCCCAGGTCAGGCACTGCCCTAG[GT>G]CAGGAACTGCCCTAGGTCAGGAACTGCCCTGTTGCCCACACTCTCCTGTTAAGGTCAGGT-3'

ClinVar aggregate classification (germline): Benign. Review status: reviewed by expert panel (3 of 4 stars). 4 submissions from 4 submitters: Benign (1). 3 of the submissions do not count toward it. Last evaluated 2021-11-19.

Conditions:
Very long chain acyl-CoA dehydrogenase deficiency (ACADVLD). Also called: Very Long-Chain Acyl-Coenzyme A Dehydrogenase Deficiency; VLCAD Deficiency. Identifiers: Orphanet 26793, MedGen C3887523, MONDO:0008723, OMIM 201475.

Allele frequency attached by ClinVar (database versions not stated): gnomAD 0.60962 and 0.61332; gnomAD exomes 0.61466.

Submissions (4):

ClinGen ACADVL Variant Curation Expert Panel, ClinGen
Classification: Benign for Very long chain acyl-CoA dehydrogenase deficiency. Last evaluated: 2021-11-19. Review status: reviewed by expert panel. Criteria: clingen acadvl acmg specifications v1. Collection method: curation. Allele origin: germline. Inheritance: Autosomal recessive inheritance.
Comment: The c.478-106del variant in ACADVL is an intronic variant. The highest population minor allele frequency in gnomAD v2.1.1 is 0.62 in the European Finnish population, which is higher than the ClinGen ACADVL Variant Curation Expert Panel threshold (≥0.007) for BA1, and therefore meets this criterion (BA1). In summary, this variant meets the criteria to be classified as benign for autosomal recessive very long chain acyl-CoA dehydrogenase (VLCAD) deficiency based on the ACMG/AMP criteria applied, as specified by the ClinGen ACADVL Variant Curation Expert Panel: BA1

Laboratory of Genetics, Children's Clinical University Hospital Latvia
Classification: Likely benign. Last evaluated: 2025-02-16. Review status: criteria provided, single submitter. Criteria: ACMG Guidelines, 2015. Collection method: clinical testing. Allele origin: germline. Affected: yes. Not counted in ClinVar's aggregate classification.

Genome-Nilou Lab
Classification: Benign for Very long chain acyl-CoA dehydrogenase deficiency. Last evaluated: 2021-07-14. Review status: criteria provided, single submitter. Criteria: ACMG Guidelines, 2015. Collection method: clinical testing. Allele origin: germline. Affected: no. Not counted in ClinVar's aggregate classification.

GeneDx
Classification: Benign. Last evaluated: 2018-06-14. Review status: criteria provided, single submitter. Criteria: GeneDx Variant Classification (06012015). Collection method: clinical testing. Allele origin: germline. Affected: yes. Not counted in ClinVar's aggregate classification.
Comment: This variant is considered likely benign or benign based on one or more of the following criteria: it is a conservative change, it occurs at a poorly conserved position in the protein, it is predicted to be benign by multiple in silico algorithms, and/or has population frequency not consistent with disease.